The following is an entry in ClinVar:

NM_024577.4(SH3TC2):c.3650del (p.Gly1217fs)

Gene: SH3TC2 (SH3 domain and tetratricopeptide repeats 2; minus strand). Cytogenetic location: 5q32.
Variant type: Deletion.
Coding change: c.3650del on transcript NM_024577.4 (MANE Select); coding-DNA position 3650, one base deleted (G; older notation c.3650delG).
Protein change: p.Gly1217fs; shifts the reading frame from glycine 1217.
Molecular consequence: frameshift variant.
Genome position (GRCh38, 1-based): chr5:149,006,906, C deleted on the plus strand (G on the coding strand, the reverse complement: SH3TC2 is on the minus strand); the first of 3 consecutive C bases (chr5:149,006,906-149,006,908); deleting any one gives the same sequence. VCF-style (leftmost placement, unchanged base first): chr5-149006905-GC-G. GRCh37 (hg19) VCF-style: chr5-148386468-GC-G.
Other names: short protein forms G1217fs.
Identifiers: ClinVar variation 1408715 (VCV001408715.6), dbSNP rs369695480, ClinGen allele CA128996195.

ClinVar aggregate classification (germline): Uncertain significance (1 of 4 stars; one submission).

Conditions:
Charcot-Marie-Tooth disease type 4. Also called: Charcot-Marie-Tooth, Type 4; Charcot-Marie-Tooth disease, type IV. Identifiers: Orphanet 64749, MedGen C4082197, MONDO:0018995.

Submission:

Labcorp Genetics (formerly Invitae), Labcorp
Classification: Uncertain significance for Charcot-Marie-Tooth disease type 4. Last evaluated: 2021-08-12. Review status: criteria provided, single submitter. Criteria: Invitae Variant Classification Sherloc (09022015). Collection method: clinical testing. Allele origin: germline.
Comment: In summary, the available evidence is currently insufficient to determine the role of this variant in disease. Therefore, it has been classified as a Variant of Uncertain Significance. Experimental studies and prediction algorithms are not available or were not evaluated, and the functional significance of this variant is currently unknown. This variant has not been reported in the literature in individuals affected with SH3TC2-related conditions. This variant is not present in population databases (ExAC no frequency). This sequence change creates a premature translational stop signal (p.Gly1217Alafs*8) in the SH3TC2 gene. While this is not anticipated to result in nonsense mediated decay, it is expected to disrupt the last 72 amino acid(s) of the SH3TC2 protein.